The following is an entry in ClinVar:

NM_006947.4(SRP72):c.1016dup (p.Leu339fs)

Gene: SRP72 (signal recognition particle 72; plus strand). Cytogenetic location: 4q12.
Variant type: Duplication.
Coding change: c.1016dup on transcript NM_006947.4 (MANE Select); coding-DNA position 1016, one base duplicated (T; older notation c.1016dupT).
Protein change: p.Leu339fs; shifts the reading frame from leucine 339.
Molecular consequence: frameshift variant. On other transcripts: non-coding transcript variant (1).
Genome position (GRCh38, 1-based): chr4:56,484,794, T duplicated; the last of 2 consecutive T bases (chr4:56,484,793-56,484,794); duplicating either gives the same sequence. VCF-style (leftmost placement, unchanged base first): chr4-56484792-C-CT. GRCh37 (hg19) VCF-style: chr4-57350958-C-CT.
Other names: c.833dup, p.Leu278fs (NM_001267722.2); short protein forms L278fs, L339fs.
Identifiers: ClinVar variation 3682676 (VCV003682676.2).

ClinVar aggregate classification (germline): Uncertain significance (1 of 4 stars; one submission).

Submission:

Labcorp Genetics (formerly Invitae), Labcorp
Classification: Uncertain significance. Last evaluated: 2024-04-14. Review status: criteria provided, single submitter. Criteria: Invitae Variant Classification Sherloc (09022015). Collection method: clinical testing. Allele origin: germline.
Comment: This sequence change creates a premature translational stop signal (p.Leu339Phefs*13) in the SRP72 gene. It is expected to result in an absent or disrupted protein product. However, the current clinical and genetic evidence is not sufficient to establish whether loss-of-function variants in SRP72 cause disease. This variant is not present in population databases (gnomAD no frequency). This variant has not been reported in the literature in individuals affected with SRP72-related conditions. In summary, the available evidence is currently insufficient to determine the role of this variant in disease. Therefore, it has been classified as a Variant of Uncertain Significance.